The following is an entry in ClinVar:

NM_015338.6(ASXL1):c.1435C>T (p.Pro479Ser)

Gene: ASXL1 (ASXL transcriptional regulator 1; plus strand). Cytogenetic location: 20q11.21.
Variant type: single nucleotide variant.
Coding change: c.1435C>T on transcript NM_015338.6 (MANE Select); coding-DNA position 1435, C replaced by T.
Protein change: p.Pro479Ser; replaces proline 479 with serine.
Molecular consequence: missense variant.
Genome position (GRCh38, 1-based): chr20:32,433,633, C>T. VCF-style: chr20-32433633-C-T. GRCh37 (hg19) VCF-style: chr20-31021436-C-T.
Other names: c.1252C>T, p.Pro418Ser (NM_001363734.1); short protein forms P479S, P418S.
Identifiers: ClinVar variation 1495907 (VCV001495907.8), dbSNP rs2123262953, ClinGen allele CA408556562.

ClinVar aggregate classification (germline): Uncertain significance (1 of 4 stars; one submission).

Submission:

Labcorp Genetics (formerly Invitae), Labcorp
Classification: Uncertain significance. Last evaluated: 2024-02-17. Review status: criteria provided, single submitter. Criteria: Invitae Variant Classification Sherloc (09022015). Collection method: clinical testing. Allele origin: germline.
Comment: This sequence change replaces proline, which is neutral and non-polar, with serine, which is neutral and polar, at codon 479 of the ASXL1 protein (p.Pro479Ser). This variant is not present in population databases (gnomAD no frequency). This variant has not been reported in the literature in individuals affected with ASXL1-related conditions. ClinVar contains an entry for this variant (Variation ID: 1495907). Algorithms developed to predict the effect of missense changes on protein structure and function output the following: SIFT: "Not Available"; PolyPhen-2: "Benign"; Align-GVGD: "Not Available". The serine amino acid residue is found in multiple mammalian species, which suggests that this missense change does not adversely affect protein function. In summary, the available evidence is currently insufficient to determine the role of this variant in disease. Therefore, it has been classified as a Variant of Uncertain Significance.